The following is an entry in ClinVar:

NM_001164508.2(NEB):c.24024_24028dup (p.Tyr8010fs)

Genes: RIF1 (replication timing regulatory factor 1; plus strand), NEB (nebulin; minus strand). Cytogenetic location: 2q23.3.
Variant type: Duplication.
Coding change: c.24024_24028dup on transcript NM_001164508.2 (MANE Select); coding-DNA positions 24024 to 24028, 5 bases duplicated (GTTGT; older notation c.24024_24028dupGTTGT).
Protein change: p.Tyr8010fs; shifts the reading frame from tyrosine 8010.
Molecular consequence: frameshift variant. On other transcripts: intron variant (1).
Genome position (GRCh38, 1-based): chr2:151,499,384-151,499,388, ACAAC duplicated on the plus strand (GTTGT on the coding strand, the reverse complement: NEB is on the minus strand); duplicating any 5 consecutive bases within chr2:151,499,384-151,499,390 gives the same sequence; the c. name uses the placement nearest the transcript's 3' end. VCF-style (leftmost placement, unchanged base first): chr2-151499383-T-TACAAC. GRCh37 (hg19) VCF-style: chr2-152355897-T-TACAAC.
Other names: c.24024_24028dup, p.Tyr8010fs (NM_001164507.2); c.24129_24133dup, p.Tyr8045fs (NM_001271208.2); c.18826-3020_18826-3016dup (NM_004543.5); short protein forms Y8010fs, Y8045fs.
Identifiers: ClinVar variation 555293 (VCV000555293.20), dbSNP rs772009599, ClinGen allele CA57670522.
Genomic context (GRCh38, chr2:151,499,383, plus strand): 5'-TTGACTCTCTCCATCTCTGGAGTGATGGGGATTGGAATCCCTTTTCCAACGTTTTCTTTA[T>TACAAC]ACAACACCTGTATGACACAAGAAAGCATCCAGAAAAAACAAGAGCAGTCAAAACAGCCCT-3'

ClinVar aggregate classification (germline): Pathogenic/Likely pathogenic. Review status: criteria provided, multiple submitters, no conflicts (2 of 4 stars). 5 submissions from 5 submitters: Pathogenic (3); Likely pathogenic (1). 1 of the submissions does not count toward it. Last evaluated 2026-09-02.

Conditions:
Arthrogryposis multiplex congenita 6. Identifiers: MedGen C5543431, MONDO:0030281, OMIM 619334.
Fetal anomalies with a likely genetic cause.
Nemaline myopathy 2 (NEM2). Also called: Nemaline myopathy 2, autosomal recessive. Identifiers: MedGen C1850569, MONDO:0009725, OMIM 256030.

Submissions (5):

Genetics Laboratory, Great Ormond Street Hospital NHS Foundation Trust, North Thames Genomic Laboratory Hub
Classification: Pathogenic for Fetal anomalies with a likely genetic cause. Last evaluated: 2026-09-02. Review status: criteria provided, single submitter. Criteria: ACGS Best Practice Guidelines for Variant Classification in Rare Disease 2024 v1.2. Collection method: clinical testing. Allele origin: germline. Affected: yes.
Comment: PM2_moderate, PVS1_very-strong, PM3_supporting

CeGaT Center for Human Genetics Tuebingen
Classification: Pathogenic. Last evaluated: 2025-08-01. Review status: criteria provided, single submitter. Criteria: CeGaT Center For Human Genetics Tuebingen Variant Classification Criteria Version 2. Collection method: clinical testing. Allele origin: germline. Affected: yes. Observed: 1 variant allele.
Comment: NEB: PVS1, PM2

Labcorp Genetics (formerly Invitae), Labcorp
Classification: Pathogenic for Nemaline myopathy 2. Last evaluated: 2024-12-16. Review status: criteria provided, single submitter. Criteria: Invitae Variant Classification Sherloc (09022015). Collection method: clinical testing. Allele origin: germline.
Comment: This sequence change creates a premature translational stop signal (p.Tyr8045Cysfs*137) in the NEB gene. It is expected to result in an absent or disrupted protein product. Loss-of-function variants in NEB are known to be pathogenic (PMID: 25205138). This variant is present in population databases (rs772009599, gnomAD 0.006%). This variant has not been reported in the literature in individuals affected with NEB-related conditions. ClinVar contains an entry for this variant (Variation ID: 555293). For these reasons, this variant has been classified as Pathogenic.

Baylor Genetics
Classification: Likely pathogenic for Arthrogryposis multiplex congenita 6. Last evaluated: 2024-02-29. Review status: criteria provided, single submitter. Criteria: ACMG Guidelines, 2015. Collection method: clinical testing. Allele origin: unknown.

Counsyl
Classification: Likely pathogenic for Nemaline myopathy 2. Last evaluated: 2017-11-30. Review status: no assertion criteria provided. Collection method: clinical testing. Allele origin: unknown. Not counted in ClinVar's aggregate classification.

Literature cited by the submitters: PubMed 25205138 (cited by Labcorp Genetics (formerly Invitae), Labcorp).